The following is an entry in ClinVar:

ClinVar aggregate classification (germline): Uncertain significance (1 of 4 stars; one submission).

Allele frequency attached by ClinVar (database versions not stated): gnomAD exomes 0.00001; TOPMed 0.00001.
gnomAD v4.1: 9 of 1,598,224 alleles (0.00056%); highest among the groups gnomAD compares: African/African-American, 0.0014%; no homozygotes.

Submission:

Labcorp Genetics (formerly Invitae), Labcorp
Classification: Uncertain significance. Last evaluated: 2022-07-25. Review status: criteria provided, single submitter. Criteria: Invitae Variant Classification Sherloc (09022015). Collection method: clinical testing. Allele origin: germline.
Comment: In summary, the available evidence is currently insufficient to determine the role of this variant in disease. Therefore, it has been classified as a Variant of Uncertain Significance. Algorithms developed to predict the effect of missense changes on protein structure and function output the following: SIFT: "Tolerated"; PolyPhen-2: "Benign"; Align-GVGD: "Class C0". The isoleucine amino acid residue is found in multiple mammalian species, which suggests that this missense change does not adversely affect protein function. This variant has not been reported in the literature in individuals affected with IFNAR1-related conditions. This variant is not present in population databases (gnomAD no frequency). This sequence change replaces threonine, which is neutral and polar, with isoleucine, which is neutral and non-polar, at codon 548 of the IFNAR1 protein (p.Thr548Ile).

NM_000629.3(IFNAR1):c.1643C>T (p.Thr548Ile)

Gene: IFNAR1 (interferon alpha and beta receptor subunit 1; plus strand). Cytogenetic location: 21q22.11.
Variant type: single nucleotide variant.
Coding change: c.1643C>T on transcript NM_000629.3 (MANE Select); coding-DNA position 1643, C replaced by T.
Protein change: p.Thr548Ile; replaces threonine 548 with isoleucine.
Molecular consequence: missense variant. On other transcripts: 3 prime UTR variant (1).
Genome position (GRCh38, 1-based): chr21:33,355,518, C>T. VCF-style: chr21-33355518-C-T. GRCh37 (hg19) VCF-style: chr21-34727824-C-T.
Other names: c.1643C>T, p.Thr548Ile (NM_001384498.1); c.*192C>T (NM_001384499.1); c.881C>T, p.Thr294Ile (NM_001384500.1); c.1613C>T, p.Thr538Ile (NM_001384501.1); c.1181C>T, p.Thr394Ile (NM_001384502.1); c.1628C>T, p.Thr543Ile (NM_001384503.1); c.1436C>T, p.Thr479Ile (NM_001384504.1); short protein forms T548I, T294I, T479I, T543I, T394I, T538I.
Identifiers: ClinVar variation 1976828 (VCV001976828.3), dbSNP rs1228404626, ClinGen allele CA410111265.